The following is an entry in ClinVar:

ClinVar aggregate classification (germline): Uncertain significance. Review status: criteria provided, multiple submitters, no conflicts (2 of 4 stars). 2 submissions from 2 submitters: Uncertain significance (2). Last evaluated 2023-07-19.

Conditions:
Leukemia, acute lymphoblastic, susceptibility to, 3 (ALL3). Identifiers: MedGen C3809874, MONDO:0014241, OMIM 615545.

Submissions (2):

GeneDx
Classification: Uncertain significance. Last evaluated: 2023-07-19. Review status: criteria provided, single submitter. Criteria: GeneDx Variant Classification Process June 2021. Collection method: clinical testing. Allele origin: germline. Affected: yes.
Comment: Canonical splice site variant in a gene for which loss of function is not an established mechanism of disease; Not observed at significant frequency in large population cohorts (gnomAD); Has not been previously published as pathogenic or benign to our knowledge

HudsonAlpha Institute for Biotechnology
Classification: Uncertain significance for Leukemia, acute lymphoblastic, susceptibility to, 3. Last evaluated: 2017-11-28. Review status: criteria provided, single submitter. Criteria: HA_AGHI_assertions_20171208. Collection method: research. Allele origin: unknown. Affected: yes. Observed: 1 variant allele. Study: AGHI-WGS-HudsonAlpha.

NM_016734.3(PAX5):c.1013-1G>A

Gene: PAX5 (paired box 5; minus strand). Cytogenetic location: 9p13.2.
Variant type: single nucleotide variant.
Coding change: c.1013-1G>A on transcript NM_016734.3 (MANE Select); the canonical splice acceptor site of the intron before coding-DNA position 1013, G replaced by A.
Molecular consequence: splice acceptor variant. On other transcripts: intron variant (5).
Genome position (GRCh38, 1-based): chr9:36,846,930, C>T on the plus strand (G>A on the coding strand, the complement: PAX5 is on the minus strand). VCF-style: chr9-36846930-C-T. GRCh37 (hg19) VCF-style: chr9-36846927-C-T.
Other names: c.587-6294G>A (NM_001280551.2); c.689-1G>A (NM_001280556.2); c.713-1G>A (NM_001280555.2); c.884-6294G>A (NM_001280553.2); c.884-1G>A (NM_001280554.2); c.781-6294G>A (NM_001280550.2); c.781-1G>A (NM_001280549.2); c.911-6294G>A (NM_001280552.2); and 2 more.
Identifiers: ClinVar variation 517139 (VCV000517139.2), dbSNP rs1554646594, ClinGen allele CA373486389.